The following is an entry in ClinVar:

ClinVar aggregate classification (germline): Uncertain significance (1 of 4 stars; one submission).

Conditions:
Inborn genetic diseases. Identifiers: MedGen C0950123, MeSH D030342.

gnomAD v4.1: 1 of 1,614,102 alleles (0.000062%); highest among the groups gnomAD compares: Non-Finnish European, 0.000085%; no homozygotes.

Submission:

Ambry Genetics
Classification: Uncertain significance for Inborn genetic diseases. Last evaluated: 2024-07-26. Review status: criteria provided, single submitter. Criteria: Ambry Variant Classification Scheme 2023. Collection method: clinical testing. Allele origin: germline.
Comment: The p.G1355W variant (also known as c.4063G>T), located in coding exon 22 of the ATR gene, results from a G to T substitution at nucleotide position 4063. The glycine at codon 1355 is replaced by tryptophan, an amino acid with highly dissimilar properties. This amino acid position is conserved. In addition, this alteration is predicted to be deleterious by in silico analysis. Based on the available evidence, the clinical significance of this variant remains unclear.

NM_001184.4(ATR):c.4063G>T (p.Gly1355Trp)

Gene: ATR (ATR serine/threonine kinase; minus strand). Cytogenetic location: 3q23.
Variant type: single nucleotide variant.
Coding change: c.4063G>T on transcript NM_001184.4 (MANE Select); coding-DNA position 4063, G replaced by T.
Protein change: p.Gly1355Trp; replaces glycine 1355 with tryptophan.
Molecular consequence: missense variant.
Genome position (GRCh38, 1-based): chr3:142,524,082, C>A on the plus strand (G>T on the coding strand, the complement: ATR is on the minus strand). VCF-style: chr3-142524082-C-A. GRCh37 (hg19) VCF-style: chr3-142242924-C-A.
Other names: c.3871G>T, p.Gly1291Trp (NM_001354579.2); short protein forms G1291W, G1355W.
Identifiers: ClinVar variation 3462462 (VCV003462462.1).